The following is an entry in ClinVar:

ClinVar aggregate classification (germline): Uncertain significance (1 of 4 stars; one submission).

Allele frequency attached by ClinVar (database versions not stated): gnomAD 0.00001; TOPMed 0.00001.
gnomAD v4.1: 1 of 1,612,460 alleles (0.000062%); no homozygotes.

Submission:

Labcorp Genetics (formerly Invitae), Labcorp
Classification: Uncertain significance. Last evaluated: 2022-07-12. Review status: criteria provided, single submitter. Criteria: Invitae Variant Classification Sherloc (09022015). Collection method: clinical testing. Allele origin: germline.
Comment: In summary, the available evidence is currently insufficient to determine the role of this variant in disease. Therefore, it has been classified as a Variant of Uncertain Significance. Algorithms developed to predict the effect of missense changes on protein structure and function (SIFT, PolyPhen-2, Align-GVGD) all suggest that this variant is likely to be tolerated. ClinVar contains an entry for this variant (Variation ID: 1039871). This variant has not been reported in the literature in individuals affected with FLVCR1-related conditions. This variant is not present in population databases (gnomAD no frequency). This sequence change replaces histidine, which is basic and polar, with arginine, which is basic and polar, at codon 198 of the FLVCR1 protein (p.His198Arg).

NM_014053.4(FLVCR1):c.593A>G (p.His198Arg)

Gene: FLVCR1 (FLVCR choline and heme transporter 1; plus strand). Cytogenetic location: 1q32.3.
Variant type: single nucleotide variant.
Coding change: c.593A>G on transcript NM_014053.4 (MANE Select); coding-DNA position 593, A replaced by G.
Protein change: p.His198Arg; replaces histidine 198 with arginine.
Molecular consequence: missense variant.
Genome position (GRCh38, 1-based): chr1:212,859,045, A>G. VCF-style: chr1-212859045-A-G. GRCh37 (hg19) VCF-style: chr1-213032387-A-G.
Other names: short protein forms H198R.
Identifiers: ClinVar variation 1039871 (VCV001039871.8), dbSNP rs1664133784, ClinGen allele CA344797095.